The following is an entry in ClinVar:

NM_001177701.3(IFT27):c.339C>G (p.Gly113=)

Genes: CACNG2-DT (CACNG2 divergent transcript; plus strand), IFT27 (intraflagellar transport 27; minus strand). Cytogenetic location: 22q12.3.
Variant type: single nucleotide variant.
Coding change: c.339C>G on transcript NM_001177701.3 (MANE Select); coding-DNA position 339, C replaced by G.
Protein change: p.Gly113=; no amino-acid change (glycine 113 retained).
Molecular consequence: synonymous variant.
Genome position (GRCh38, 1-based): chr22:36,763,932, G>C on the plus strand (C>G on the coding strand, the complement: IFT27 is on the minus strand). VCF-style: chr22-36763932-G-C. GRCh37 (hg19) VCF-style: chr22-37159976-G-C.
Other names: c.339C>G, p.Gly113= (NM_001363003.2); c.336C>G, p.Gly112= (NM_006860.5).
Identifiers: ClinVar variation 3357157 (VCV003357157.1).

ClinVar aggregate classification (germline): Likely benign (0 of 4 stars; one submission).

Conditions:
IFT27-related disorder. Also called: IFT27-related condition.

gnomAD v4.1: 4 of 1,611,636 alleles (0.00025%); highest among the groups gnomAD compares: Non-Finnish European, 0.00025%; no homozygotes.

Submission:

PreventionGenetics, part of Exact Sciences
Classification: Likely benign for IFT27-related condition. Last evaluated: 2019-08-26. Review status: no assertion criteria provided. Collection method: clinical testing. Allele origin: germline.
Comment: This variant is classified as likely benign based on ACMG/AMP sequence variant interpretation guidelines (Richards et al. 2015 PMID: 25741868, with internal and published modifications).